The following is an entry in ClinVar:

NM_004082.5(DCTN1):c.3787G>A (p.Val1263Met)

Gene: DCTN1 (dynactin subunit 1; minus strand). Cytogenetic location: 2p13.1.
Variant type: single nucleotide variant.
Coding change: c.3787G>A on transcript NM_004082.5 (MANE Select); coding-DNA position 3787, G replaced by A.
Protein change: p.Val1263Met; replaces valine 1263 with methionine.
Molecular consequence: missense variant. On other transcripts: non-coding transcript variant (1).
Genome position (GRCh38, 1-based): chr2:74,361,549, C>T on the plus strand (G>A on the coding strand, the complement: DCTN1 is on the minus strand). VCF-style: chr2-74361549-C-T. GRCh37 (hg19) VCF-style: chr2-74588676-C-T.
Other names: c.3712G>A, p.Val1238Met (NM_001135040.3); c.3370G>A, p.Val1124Met (NM_001135041.3); c.3661G>A, p.Val1221Met (NM_001190836.2); c.3766G>A, p.Val1256Met (NM_001190837.2); c.3736G>A, p.Val1246Met (NM_001378991.1); c.3718G>A, p.Val1240Met (NM_001378992.1); c.3385G>A, p.Val1129Met (NM_023019.4); short protein forms V1238M, V1256M, V1129M, V1221M, V1263M, V1124M, V1240M, V1246M.
Identifiers: ClinVar variation 1478343 (VCV001478343.8), dbSNP rs2104386411, ClinGen allele CA347334505.

ClinVar aggregate classification (germline): Uncertain significance (1 of 4 stars; one submission).

Conditions:
Amyotrophic lateral sclerosis type 1 (ALS1). Also called: AMYOTROPHIC LATERAL SCLEROSIS 1, FAMILIAL. Identifiers: Orphanet 803, MedGen C1862939, MONDO:0007103, OMIM 105400.
Perry syndrome. Also called: PARKINSONISM WITH ALVEOLAR HYPOVENTILATION AND MENTAL DEPRESSION. Identifiers: Orphanet 178509, MedGen C1868594, MONDO:0008201, OMIM 168605.
Neuronopathy, distal hereditary motor, type 7B. Also called: HMN VIIB; Distal Hereditary Motor Neuronopathy Type 7B (dHMN7B); LOWER MOTOR NEURON DISEASE, DYNACTIN TYPE; NEURONOPATHY, DISTAL HEREDITARY MOTOR, AUTOSOMAL DOMINANT 14; NEURONOPATHY, DISTAL HEREDITARY MOTOR, HARDING TYPE VIIB; NEUROPATHY, DISTAL HEREDITARY MOTOR, HARDING TYPE VIIB. Identifiers: Orphanet 139589, MedGen C1843315, MONDO:0011879, OMIM 607641.

gnomAD v4.1: 2 of 1,614,140 alleles (0.00012%); highest among the groups gnomAD compares: South Asian, 0.0022%; no homozygotes.

Submission:

Labcorp Genetics (formerly Invitae), Labcorp
Classification: Uncertain significance for Amyotrophic lateral sclerosis type 1; Neuronopathy, distal hereditary motor, type 7B; Perry syndrome. Last evaluated: 2022-11-22. Review status: criteria provided, single submitter. Criteria: Invitae Variant Classification Sherloc (09022015). Collection method: clinical testing. Allele origin: germline.
Comment: This variant has not been reported in the literature in individuals affected with DCTN1-related conditions. ClinVar contains an entry for this variant (Variation ID: 1478343). Algorithms developed to predict the effect of missense changes on protein structure and function are either unavailable or do not agree on the potential impact of this missense change (SIFT: "Deleterious"; PolyPhen-2: "Possibly Damaging"; Align-GVGD: "Class C15"). In summary, the available evidence is currently insufficient to determine the role of this variant in disease. Therefore, it has been classified as a Variant of Uncertain Significance. This variant is not present in population databases (gnomAD no frequency). This sequence change replaces valine, which is neutral and non-polar, with methionine, which is neutral and non-polar, at codon 1263 of the DCTN1 protein (p.Val1263Met).